The following is an entry in ClinVar:

ClinVar aggregate classification (germline): Likely pathogenic (1 of 4 stars; one submission).

Submission:

CeGaT Center for Human Genetics Tuebingen
Classification: Likely pathogenic. Last evaluated: 2026-03-01. Review status: criteria provided, single submitter. Criteria: CeGaT Center For Human Genetics Tuebingen Variant Classification Criteria Version 2. Collection method: clinical testing. Allele origin: germline. Affected: yes. Observed: 1 variant allele.
Comment: FUS: PVS1:Strong, PM2

NM_004960.4(FUS):c.1542-5_1545del

Gene: FUS (FUS DNA/RNA binding protein; plus strand). Cytogenetic location: 16p11.2.
Variant type: Deletion.
Coding change: c.1542-5_1545del on transcript NM_004960.4 (MANE Select); 5 bases into the intron before coding-DNA position 1542 through coding-DNA position 1545, 9 bases deleted (TGCAGGGGT; older notation c.1542-5_1545delTGCAGGGGT).
Molecular consequence: splice acceptor variant.
Genome position (GRCh38, 1-based): chr16:31,191,394-31,191,402, TGCAGGGGT deleted; deleting any 9 consecutive bases within chr16:31,191,393-31,191,402 gives the same sequence; the c. name uses the placement nearest the transcript's 3' end. VCF-style (leftmost placement, unchanged base first): chr16-31191392-TTTGCAGGGG-T. GRCh37 (hg19) VCF-style: chr16-31202713-TTTGCAGGGG-T.
Other names: c.1530-5_1533del (NM_001170937.1); c.1539-5_1542del (NM_001170634.1).
Identifiers: ClinVar variation 4823843 (VCV004823843.4).